The following is an entry in ClinVar:

ClinVar aggregate classification (germline): Benign (0 of 4 stars; one submission).

Conditions:
PCDHA3-related disorder. Also called: PCDHA3-related condition.

Allele frequency attached by ClinVar (database versions not stated): gnomAD 0.01510; ESP Exome Variant Server 0.01722; TOPMed 0.01387; 1000 Genomes Project 30x 0.00500; 1000 Genomes Project 0.00519; ExAC 0.01466; gnomAD exomes 0.02213.
gnomAD v4.1: 34,379 of 1,614,172 alleles (2.1%); highest among the groups gnomAD compares: Non-Finnish European, 2.6%; 441 homozygotes.

Submission:

PreventionGenetics, part of Exact Sciences
Classification: Benign for PCDHA3-related condition. Last evaluated: 2019-02-20. Review status: no assertion criteria provided. Collection method: clinical testing. Allele origin: germline.
Comment: This variant is classified as benign based on ACMG/AMP sequence variant interpretation guidelines (Richards et al. 2015 PMID: 25741868, with internal and published modifications).

NM_018906.3(PCDHA3):c.411A>G (p.Val137=)

Genes: PCDHA1 (protocadherin alpha 1; plus strand), PCDHA2 (protocadherin alpha 2; plus strand), PCDHA3 (protocadherin alpha 3; plus strand), PCDHA@ (protocadherin alpha cluster, complex locus; plus strand). Cytogenetic location: 5q31.3.
Variant type: single nucleotide variant.
Coding change: c.411A>G on transcript NM_018906.3 (MANE Select); coding-DNA position 411, A replaced by G.
Protein change: p.Val137=; no amino-acid change (valine 137 retained).
Molecular consequence: synonymous variant. On other transcripts: intron variant (4).
Genome position (GRCh38, 1-based): chr5:140,801,608, A>G. VCF-style: chr5-140801608-A-G. GRCh37 (hg19) VCF-style: chr5-140181193-A-G.
Other names: c.411A>G, p.Val137= (NM_031497.2); c.2394+12924A>G (NM_018900.4); c.1602+13716A>G (NM_031411.3); c.2388+4256A>G (NM_018905.3); c.2389-3452A>G (NM_031496.2).
Identifiers: ClinVar variation 3042391 (VCV003042391.2), dbSNP rs61730634, ClinGen allele CA3446264.